The following is an entry in ClinVar:

ClinVar aggregate classification (germline): Uncertain significance. Review status: criteria provided, multiple submitters, no conflicts (2 of 4 stars). 2 submissions from 2 submitters: Uncertain significance (2). Last evaluated 2025-10-27.

Conditions:
Neuroblastoma, susceptibility to, 3. Also called: ALK-Related Neuroblastic Tumor Susceptibility. Identifiers: Orphanet 635, MedGen C2751681, MONDO:0013083, OMIM 613014.
Hereditary cancer-predisposing syndrome. Also called: Neoplastic Syndromes, Hereditary; Hereditary neoplastic syndrome; Tumor predisposition; Hereditary Cancer Syndrome. Identifiers: Orphanet 140162, MedGen C0027672, MeSH D009386, MONDO:0015356.

Allele frequency attached by ClinVar (database versions not stated): gnomAD exomes below 0.00001; TOPMed below 0.00001; gnomAD 0.00001.
gnomAD v4.1: 4 of 1,614,036 alleles (0.00025%); highest among the groups gnomAD compares: Non-Finnish European, 0.00034%; no homozygotes.

Submissions (2):

Labcorp Genetics (formerly Invitae), Labcorp
Classification: Uncertain significance for Neuroblastoma, susceptibility to, 3. Last evaluated: 2025-10-27. Review status: criteria provided, single submitter. Criteria: Invitae Variant Classification Sherloc (09022015). Collection method: clinical testing. Allele origin: germline.
Comment: This sequence change replaces serine, which is neutral and polar, with glycine, which is neutral and non-polar, at codon 413 of the ALK protein (p.Ser413Gly). This variant is not present in population databases (gnomAD no frequency). This variant has not been reported in the literature in individuals affected with ALK-related conditions. ClinVar contains an entry for this variant (Variation ID: 845692). An algorithm developed to predict the effect of missense changes on protein structure and function (PolyPhen-2) suggests that this variant is likely to be disruptive. In summary, the available evidence is currently insufficient to determine the role of this variant in disease. Therefore, it has been classified as a Variant of Uncertain Significance.

Ambry Genetics
Classification: Uncertain significance for Hereditary cancer-predisposing syndrome. Last evaluated: 2024-12-16. Review status: criteria provided, single submitter. Criteria: Ambry Variant Classification Scheme 2023. Collection method: clinical testing. Allele origin: germline.
Comment: The p.S413G variant (also known as c.1237A>G), located in coding exon 5 of the ALK gene, results from an A to G substitution at nucleotide position 1237. The serine at codon 413 is replaced by glycine, an amino acid with similar properties. This amino acid position is conserved. In addition, this alteration is predicted to be tolerated by in silico analysis. Since supporting evidence is limited at this time, the clinical significance of this alteration remains unclear.

NM_004304.5(ALK):c.1237A>G (p.Ser413Gly)

Gene: ALK (ALK receptor tyrosine kinase; minus strand). Cytogenetic location: 2p23.2.
Variant type: single nucleotide variant.
Coding change: c.1237A>G on transcript NM_004304.5 (MANE Select); coding-DNA position 1237, A replaced by G.
Protein change: p.Ser413Gly; replaces serine 413 with glycine.
Molecular consequence: missense variant.
Genome position (GRCh38, 1-based): chr2:29,383,777, T>C on the plus strand (A>G on the coding strand, the complement: ALK is on the minus strand). VCF-style: chr2-29383777-T-C. GRCh37 (hg19) VCF-style: chr2-29606643-T-C.
Other names: short protein forms S413G.
Identifiers: ClinVar variation 845692 (VCV000845692.10), dbSNP rs1477421090, ClinGen allele CA346585190.